The following is an entry in ClinVar:

NM_002661.5(PLCG2):c.107C>G (p.Ser36Cys)

Gene: PLCG2 (phospholipase C gamma 2; plus strand). Cytogenetic location: 16q23.3.
Variant type: single nucleotide variant.
Coding change: c.107C>G on transcript NM_002661.5 (MANE Select); coding-DNA position 107, C replaced by G.
Protein change: p.Ser36Cys; replaces serine 36 with cysteine.
Molecular consequence: missense variant.
Genome position (GRCh38, 1-based): chr16:81,786,096, C>G. VCF-style: chr16-81786096-C-G. GRCh37 (hg19) VCF-style: chr16-81819701-C-G.
Other names: c.107C>G, p.Ser36Cys (NM_001425749.1, NM_001425750.1, NM_001425751.1); short protein forms S36C.
Identifiers: ClinVar variation 3013698 (VCV003013698.3), dbSNP rs2507344050, ClinGen allele CA396895483.
Genomic context (GRCh38, chr16:81,786,096, plus strand): 5'-GCCAGATCAAGAGAGCCCTGGAGCTGGGGACGGTGATGACTGTGTTCAGCTTCCGCAAGT[C>G]CACCCCCGAGCGGAGAACCGTCCAGGTGATCATGGAGACGCGGCAGGTGGCCTGGAGCAA-3'
Protein context (NP_002652.2, residues 26-46): TVMTVFSFRK[Ser36Cys]TPERRTVQVI

ClinVar aggregate classification (germline): Uncertain significance (1 of 4 stars; one submission).

Conditions:
Familial cold autoinflammatory syndrome 3 (FCAS3). Also called: FAMILIAL ATYPICAL COLD URTICARIA; ANTIBODY DEFICIENCY AND IMMUNE DYSREGULATION, PLCG2-ASSOCIATED. Identifiers: Orphanet 300359, MedGen C3280914, MONDO:0013766, OMIM 614468.

Allele frequency attached by ClinVar (database versions not stated): gnomAD exomes below 0.00001.
gnomAD v4.1: 1 of 1,614,192 alleles (0.000062%); highest among the groups gnomAD compares: Admixed American, 0.0017%; no homozygotes.

Submission:

Labcorp Genetics (formerly Invitae), Labcorp
Classification: Uncertain significance for Familial cold autoinflammatory syndrome 3. Last evaluated: 2023-02-05. Review status: criteria provided, single submitter. Criteria: Invitae Variant Classification Sherloc (09022015). Collection method: clinical testing. Allele origin: germline.
Comment: This sequence change replaces serine, which is neutral and polar, with cysteine, which is neutral and slightly polar, at codon 36 of the PLCG2 protein (p.Ser36Cys). In summary, the available evidence is currently insufficient to determine the role of this variant in disease. Therefore, it has been classified as a Variant of Uncertain Significance. Algorithms developed to predict the effect of missense changes on protein structure and function output the following: SIFT: "Deleterious"; PolyPhen-2: "Benign"; Align-GVGD: "Class C0". The cysteine amino acid residue is found in multiple mammalian species, which suggests that this missense change does not adversely affect protein function. This variant has not been reported in the literature in individuals affected with PLCG2-related conditions. This variant is not present in population databases (gnomAD no frequency).